The following is an entry in ClinVar:

ClinVar aggregate classification (germline): Uncertain significance (1 of 4 stars; one submission).

Conditions:
Hyperkalemic periodic paralysis. Also called: Familial hyperkalemic periodic paralysis; Gamstorp disease. Identifiers: Orphanet 682, MedGen C0238357, MONDO:0008224, OMIM 170500, HP:0007215.

Submission:

Labcorp Genetics (formerly Invitae), Labcorp
Classification: Uncertain significance for Hyperkalemic periodic paralysis. Last evaluated: 2025-02-12. Review status: criteria provided, single submitter. Criteria: Invitae Variant Classification Sherloc (09022015). Collection method: clinical testing. Allele origin: germline.
Comment: This variant, c.897_914del, results in the deletion of 6 amino acid(s) of the SCN4A protein (p.Asp304_Asn309del), but otherwise preserves the integrity of the reading frame. This variant is present in population databases (no rsID available, gnomAD 0.006%). This variant has not been reported in the literature in individuals affected with SCN4A-related conditions. Experimental studies and prediction algorithms are not available or were not evaluated, and the functional significance of this variant is currently unknown. In summary, the available evidence is currently insufficient to determine the role of this variant in disease. Therefore, it has been classified as a Variant of Uncertain Significance.

NM_000334.4(SCN4A):c.897_914del (p.298DTWYGN[1])

Gene: SCN4A (sodium voltage-gated channel alpha subunit 4; minus strand). Cytogenetic location: 17q23.3.
Variant type: Deletion.
Coding change: c.897_914del on transcript NM_000334.4 (MANE Select); coding-DNA positions 897 to 914, 18 bases deleted (GTGGTACGGCAATGACAC).
Protein change: p.298DTWYGN[1].
Genome position (GRCh38, 1-based): chr17:63,968,145-63,968,162, GTGTCATTGCCGTACCAC deleted on the plus strand (GTGGTACGGCAATGACAC on the coding strand, the reverse complement: SCN4A is on the minus strand); deleting any 18 consecutive bases within chr17:63,968,145-63,968,172 gives the same sequence; the c. name uses the placement nearest the transcript's 3' end. VCF-style (leftmost placement, unchanged base first): chr17-63968144-TGTGTCATTGCCGTACCAC-T. GRCh37 (hg19) VCF-style: chr17-62045504-TGTGTCATTGCCGTACCAC-T.
Identifiers: ClinVar variation 3673624 (VCV003673624.2).